The following is an entry in ClinVar:

NM_002473.6(MYH9):c.3740G>A (p.Arg1247His)

Gene: MYH9 (myosin heavy chain 9; minus strand). Cytogenetic location: 22q12.3.
Variant type: single nucleotide variant.
Coding change: c.3740G>A on transcript NM_002473.6 (MANE Select); coding-DNA position 3740, G replaced by A.
Protein change: p.Arg1247His; replaces arginine 1247 with histidine.
Molecular consequence: missense variant.
Genome position (GRCh38, 1-based): chr22:36,294,189, C>T on the plus strand (G>A on the coding strand, the complement: MYH9 is on the minus strand). VCF-style: chr22-36294189-C-T. GRCh37 (hg19) VCF-style: chr22-36690235-C-T.
Other names: short protein forms R1247H.
Identifiers: ClinVar variation 4625456 (VCV004625456.2).

ClinVar aggregate classification (germline): Conflicting classifications of pathogenicity. Review status: criteria provided, conflicting classifications (1 of 4 stars). 2 submissions from 2 submitters: Uncertain significance (1); Likely benign (1). Last evaluated 2025-11-20.

Conditions:
Inborn genetic diseases. Identifiers: MedGen C0950123, MeSH D030342.

gnomAD v4.1: 11 of 1,613,806 alleles (0.00068%); highest among the groups gnomAD compares: South Asian, 0.0044%; no homozygotes.

Submissions (2):

Ambry Genetics
Classification: Likely benign for Inborn genetic diseases. Last evaluated: 2025-11-20. Review status: criteria provided, single submitter. Criteria: Ambry Variant Classification Scheme 2023. Collection method: clinical testing. Allele origin: germline.

Labcorp Genetics (formerly Invitae), Labcorp
Classification: Uncertain significance. Last evaluated: 2025-04-11. Review status: criteria provided, single submitter. Criteria: Invitae Variant Classification Sherloc (09022015). Collection method: clinical testing. Allele origin: germline.
Comment: This sequence change replaces arginine, which is basic and polar, with histidine, which is basic and polar, at codon 1247 of the MYH9 protein (p.Arg1247His). This variant is present in population databases (rs767868271, gnomAD 0.006%). This variant has not been reported in the literature in individuals affected with MYH9-related conditions. Invitae Evidence Modeling of protein sequence and biophysical properties (such as structural, functional, and spatial information, amino acid conservation, physicochemical variation, residue mobility, and thermodynamic stability) has been performed for this missense variant. However, the output from this modeling did not meet the statistical confidence thresholds required to predict the impact of this variant on MYH9 protein function. In summary, the available evidence is currently insufficient to determine the role of this variant in disease. Therefore, it has been classified as a Variant of Uncertain Significance.